The following is an entry in ClinVar:

NM_002075.4(GNB3):c.255C>G (p.Tyr85Ter)

Gene: GNB3 (G protein subunit beta 3; plus strand). Cytogenetic location: 12p13.31.
Variant type: single nucleotide variant.
Coding change: c.255C>G on transcript NM_002075.4 (MANE Select); coding-DNA position 255, C replaced by G.
Protein change: p.Tyr85Ter; replaces tyrosine 85 with a stop codon.
Molecular consequence: nonsense.
Genome position (GRCh38, 1-based): chr12:6,843,225, C>G. VCF-style: chr12-6843225-C-G. GRCh37 (hg19) VCF-style: chr12-6952389-C-G.
Other names: c.255C>G, p.Tyr85Ter (NM_001297571.2); short protein forms Y85*.
Identifiers: ClinVar variation 1966695 (VCV001966695.5), dbSNP rs28395774, ClinGen allele CA383672118.

ClinVar aggregate classification (germline): Uncertain significance (1 of 4 stars; one submission).

gnomAD v4.1: 6 of 1,613,774 alleles (0.00037%); highest among the groups gnomAD compares: Admixed American, 0.01%; no homozygotes.

Submission:

Labcorp Genetics (formerly Invitae), Labcorp
Classification: Uncertain significance. Last evaluated: 2022-06-29. Review status: criteria provided, single submitter. Criteria: Invitae Variant Classification Sherloc (09022015). Collection method: clinical testing. Allele origin: germline.
Comment: In summary, the available evidence is currently insufficient to determine the role of this variant in disease. Therefore, it has been classified as a Variant of Uncertain Significance. This variant has not been reported in the literature in individuals affected with GNB3-related conditions. This variant is not present in population databases (gnomAD no frequency). This sequence change creates a premature translational stop signal (p.Tyr85*) in the GNB3 gene. It is expected to result in an absent or disrupted protein product. However, the current clinical and genetic evidence is not sufficient to establish whether loss-of-function variants in GNB3 cause disease.